The following is an entry in ClinVar:

ClinVar aggregate classification (germline): Uncertain significance. Review status: criteria provided, multiple submitters, no conflicts (2 of 4 stars). 2 submissions from 2 submitters: Uncertain significance (2). Last evaluated 2025-02-24.

Allele frequency attached by ClinVar (database versions not stated): gnomAD exomes below 0.00001.
gnomAD v4.1: 2 of 1,527,042 alleles (0.00013%); highest among the groups gnomAD compares: African/African-American, 0.0014%; no homozygotes.

Submissions (2):

Labcorp Genetics (formerly Invitae), Labcorp
Classification: Uncertain significance. Last evaluated: 2025-02-24. Review status: criteria provided, single submitter. Criteria: Invitae Variant Classification Sherloc (09022015). Collection method: clinical testing. Allele origin: germline.
Comment: This sequence change replaces alanine, which is neutral and non-polar, with threonine, which is neutral and polar, at codon 538 of the COL9A2 protein (p.Ala538Thr). This variant is not present in population databases (gnomAD no frequency). This variant has not been reported in the literature in individuals affected with COL9A2-related conditions. ClinVar contains an entry for this variant (Variation ID: 1370042). Invitae Evidence Modeling of protein sequence and biophysical properties (such as structural, functional, and spatial information, amino acid conservation, physicochemical variation, residue mobility, and thermodynamic stability) indicates that this missense variant is not expected to disrupt COL9A2 protein function with a negative predictive value of 95%. In summary, the available evidence is currently insufficient to determine the role of this variant in disease. Therefore, it has been classified as a Variant of Uncertain Significance.

Blueprint Genetics
Classification: Uncertain significance. Last evaluated: 2024-08-09. Review status: criteria provided, single submitter. Criteria: ACMG Guidelines, 2015. Collection method: clinical testing. Allele origin: germline.

NM_001852.4(COL9A2):c.1612G>A (p.Ala538Thr)

Gene: COL9A2 (collagen type IX alpha 2 chain; minus strand). Cytogenetic location: 1p34.2.
Variant type: single nucleotide variant.
Coding change: c.1612G>A on transcript NM_001852.4 (MANE Select); coding-DNA position 1612, G replaced by A.
Protein change: p.Ala538Thr; replaces alanine 538 with threonine.
Molecular consequence: missense variant.
Genome position (GRCh38, 1-based): chr1:40,302,801, C>T on the plus strand (G>A on the coding strand, the complement: COL9A2 is on the minus strand). VCF-style: chr1-40302801-C-T. GRCh37 (hg19) VCF-style: chr1-40768473-C-T.
Other names: short protein forms A538T.
Identifiers: ClinVar variation 1370042 (VCV001370042.9), dbSNP rs1041786472, ClinGen allele CA21041194.
Genomic context (GRCh38, chr1:40,302,801, plus strand): 5'-GAGGACCCATCATGCCCACCGCACCCAGGGCTTCCCGCTTGGCACTCACGGCGACCTCTG[C>T]CAGTTGCTCTGGAGGGAGGGAGGGAGGGAGGGAGAGGGAAGTCTATGAGATGGGTGTCAG-3'
Protein context (NP_001843.1, residues 528-548): VALKMLQEQL[Ala538Thr]EVAVSAKREA